The following is an entry in ClinVar:

NM_001368882.1(COL13A1):c.648del (p.Gly217fs)

Gene: COL13A1 (collagen type XIII alpha 1 chain; plus strand). Cytogenetic location: 10q22.1.
Variant type: Deletion.
Coding change: c.648del on transcript NM_001368882.1 (MANE Select); coding-DNA position 648, one base deleted (A; older notation c.648delA).
Protein change: p.Gly217fs; shifts the reading frame from glycine 217.
Molecular consequence: frameshift variant.
Genome position (GRCh38, 1-based): chr10:69,894,692, A deleted; the last of 5 consecutive A bases (chr10:69,894,688-69,894,692); deleting any one gives the same sequence. VCF-style (leftmost placement, unchanged base first): chr10-69894687-CA-C. GRCh37 (hg19) VCF-style: chr10-71654443-CA-C.
Other names: c.621del, p.Gly208fs (NM_001130103.2, NM_080800.4, NM_080801.4 and 1 more transcripts); c.648del, p.Gly217fs (NM_001320951.2, NM_001368884.1); c.612del, p.Gly205fs (NM_001368883.1, NM_001368885.1); c.48del, p.Gly17fs (NM_001368886.1); c.558del, p.Gly187fs (NM_001368895.1); c.507del, p.Gly170fs (NM_001368896.1, NM_001368898.1, NM_080798.4); c.534del, p.Gly179fs (NM_001368897.1, NM_080805.4); short protein forms G17fs, G187fs, G208fs, G217fs, G205fs, G170fs, G179fs.
Identifiers: ClinVar variation 280690 (VCV000280690.4), dbSNP rs763281993, ClinGen allele CA5534339.

ClinVar aggregate classification (germline): Pathogenic. Review status: criteria provided, multiple submitters, no conflicts (2 of 4 stars). 2 submissions from 2 submitters: Pathogenic (2). Last evaluated 2023-03-15.

Conditions:
Congenital myasthenic syndrome 19. Identifiers: Orphanet 590, MedGen C4225235, MONDO:0014745, OMIM 616720.

Submissions (2):

Revvity Omics, Revvity
Classification: Pathogenic for Congenital myasthenic syndrome 19. Last evaluated: 2023-03-15. Review status: criteria provided, single submitter. Criteria: ACMG Guidelines, 2015. Collection method: clinical testing. Allele origin: germline.

GeneDx
Classification: Pathogenic. Last evaluated: 2016-12-28. Review status: criteria provided, single submitter. Criteria: GeneDx Variant Classification (06012015). Collection method: clinical testing. Allele origin: germline. Affected: yes.
Comment: The c.621delA variant in the COL13A1 gene has not been reported previously as a pathogenic variant nor as a benign variant, to our knowledge. The c.621delA variant causes a frameshift starting with codon Glycine 208, changes this amino acid to a Glutamic Acid residue, and creates a premature Stop codon at position 15 of the new reading frame, denoted p.Gly208GlufsX15. This variant is predicted to cause loss of normal protein function either through protein truncation or nonsense-mediated mRNA decay. We interpret c.621delA as a pathogenic variant.